The following is an entry in ClinVar:

ClinVar aggregate classification (germline): Uncertain significance (1 of 4 stars; one submission).

Allele frequency attached by ClinVar (database versions not stated): gnomAD exomes 0.00002.
gnomAD v4.1: 4 of 1,614,150 alleles (0.00025%); highest among the groups gnomAD compares: Admixed American, 0.0067%; no homozygotes.

Submission:

Labcorp Genetics (formerly Invitae), Labcorp
Classification: Uncertain significance. Last evaluated: 2020-06-02. Review status: criteria provided, single submitter. Criteria: Invitae Variant Classification Sherloc (09022015). Collection method: clinical testing. Allele origin: germline.
Comment: In summary, the available evidence is currently insufficient to determine the role of this variant in disease. Therefore, it has been classified as a Variant of Uncertain Significance. Algorithms developed to predict the effect of missense changes on protein structure and function (SIFT, PolyPhen-2, Align-GVGD) all suggest that this variant is likely to be tolerated, but these predictions have not been confirmed by published functional studies and their clinical significance is uncertain. This variant has not been reported in the literature in individuals with ABHD12-related conditions. This variant is not present in population databases (ExAC no frequency). This sequence change replaces glutamine with proline at codon 157 of the ABHD12 protein (p.Gln157Pro). The glutamine residue is moderately conserved and there is a moderate physicochemical difference between glutamine and proline.

NM_001042472.3(ABHD12):c.470A>C (p.Gln157Pro)

Gene: ABHD12 (abhydrolase domain containing 12, lysophospholipase; minus strand). Cytogenetic location: 20p11.21.
Variant type: single nucleotide variant.
Coding change: c.470A>C on transcript NM_001042472.3 (MANE Select); coding-DNA position 470, A replaced by C.
Protein change: p.Gln157Pro; replaces glutamine 157 with proline.
Molecular consequence: missense variant.
Genome position (GRCh38, 1-based): chr20:25,320,271, T>G on the plus strand (A>C on the coding strand, the complement: ABHD12 is on the minus strand). VCF-style: chr20-25320271-T-G. GRCh37 (hg19) VCF-style: chr20-25300907-T-G.
Other names: c.470A>C, p.Gln157Pro (NM_015600.5); short protein forms Q157P.
Identifiers: ClinVar variation 1047306 (VCV001047306.8), dbSNP rs1425002399, ClinGen allele CA408457382.